The following is an entry in ClinVar:

NM_199420.4(POLQ):c.5085T>G (p.Phe1695Leu)

Gene: POLQ (DNA polymerase theta; minus strand). Cytogenetic location: 3q13.33.
Variant type: single nucleotide variant.
Coding change: c.5085T>G on transcript NM_199420.4 (MANE Select); coding-DNA position 5085, T replaced by G.
Protein change: p.Phe1695Leu; replaces phenylalanine 1695 with leucine.
Molecular consequence: missense variant.
Genome position (GRCh38, 1-based): chr3:121,487,846, A>C on the plus strand (T>G on the coding strand, the complement: POLQ is on the minus strand). VCF-style: chr3-121487846-A-C. GRCh37 (hg19) VCF-style: chr3-121206693-A-C.
Other names: short protein forms F1695L.
Identifiers: ClinVar variation 1745245 (VCV001745245.2), dbSNP rs772852121, ClinGen allele CA2562797.
Genomic context (GRCh38, chr3:121,487,846, plus strand): 5'-ATCATGATTGGCATTGTTTTCTAGCATCTCAATCTTGCTTTTTACTTCATTATTAGAAGA[A>C]AATGAAATTCCCTGCACTTGTTTTGTCTCCAAGTTTGAAATAACTTCTTGTTCTTCATTT-3'
Protein context (NP_955452.3, residues 1685-1705): LETKQVQGIS[Phe1695Leu]SSNNEVKSKI

ClinVar aggregate classification (germline): Uncertain significance (1 of 4 stars; one submission).

Allele frequency attached by ClinVar (database versions not stated): ExAC 0.00001; gnomAD exomes 0.00001.

Submission:

Ambry Genetics
Classification: Uncertain significance. Last evaluated: 2022-08-13. Review status: criteria provided, single submitter. Criteria: Ambry Variant Classification Scheme 2023. Collection method: clinical testing. Allele origin: germline.
Comment: The p.F1695L variant (also known as c.5085T>G), located in coding exon 16 of the POLQ gene, results from a T to G substitution at nucleotide position 5085. The phenylalanine at codon 1695 is replaced by leucine, an amino acid with highly similar properties. This amino acid position is conserved. In addition, this alteration is predicted to be tolerated by in silico analysis. Since supporting evidence is limited at this time, the clinical significance of this alteration remains unclear.